The following is an entry in ClinVar:

ClinVar aggregate classification (germline): Likely benign. Review status: criteria provided, multiple submitters, no conflicts (2 of 4 stars). 3 submissions from 3 submitters: Likely benign (3). Last evaluated 2025-11-05.

Conditions:
Familial cancer of breast. Also called: BREAST CANCER, FAMILIAL; Hereditary breast cancer; hereditary breast carcinoma. Identifiers: Orphanet 227535, MedGen C0346153, MONDO:0016419, OMIM 114480. Disease mechanism: loss of function.
CHEK2-related cancer predisposition (TPDS4). Also called: TUMOR PREDISPOSITION SYNDROME 4; CANCER PREDISPOSITION SYNDROME, CHEK2-RELATED; CHEK2-related cancer susceptibility. Identifiers: Orphanet 524, MedGen C5882668, MONDO:0700271, OMIM 609265.
Familial prostate cancer. Also called: Hereditary Prostate Cancer. Identifiers: MedGen C2931456, MONDO:0700275, OMIM 176807.
Bone osteosarcoma. Also called: Osteosarcoma, somatic. Identifiers: Orphanet 668, MedGen C0585442, MONDO:0002629, OMIM 259500.

Allele frequency attached by ClinVar (database versions not stated): ExAC 0.00005; gnomAD exomes 0.00003.
gnomAD v4.1: 13 of 1,459,384 alleles (0.00089%); highest among the groups gnomAD compares: South Asian, 0.013%; no homozygotes.

Submissions (3):

Labcorp Genetics (formerly Invitae), Labcorp
Classification: Likely benign for Familial cancer of breast. Last evaluated: 2025-11-05. Review status: criteria provided, single submitter. Criteria: Invitae Variant Classification Sherloc (09022015). Collection method: clinical testing. Allele origin: germline.

Department of Pathology and Laboratory Medicine, Sinai Health System
Classification: Likely benign for Familial prostate cancer; Bone osteosarcoma; CHEK2-related cancer predisposition. Last evaluated: 2024-12-30. Review status: criteria provided, single submitter. Criteria: ACMG Guidelines, 2015. Collection method: clinical testing. Allele origin: germline.

Myriad Genetics, Inc.
Classification: Likely benign for Familial cancer of breast. Last evaluated: 2024-10-03. Review status: criteria provided, single submitter. Criteria: Myriad Autosomal Dominant, Autosomal Recessive and X-Linked Classification Criteria (2023). Collection method: clinical testing. Allele origin: unknown.
Comment: This variant is considered likely benign. This variant is intronic and is not expected to impact mRNA splicing.

NM_007194.4(CHEK2):c.593-15T>C

Gene: CHEK2 (checkpoint kinase 2; minus strand). Cytogenetic location: 22q12.1.
Variant type: single nucleotide variant.
Coding change: c.593-15T>C on transcript NM_007194.4 (MANE Select); 15 bases into the intron before coding-DNA position 593, T replaced by C.
Molecular consequence: intron variant.
Genome position (GRCh38, 1-based): chr22:28,719,500, A>G on the plus strand (T>C on the coding strand, the complement: CHEK2 is on the minus strand). VCF-style: chr22-28719500-A-G. GRCh37 (hg19) VCF-style: chr22-29115488-A-G.
Other names: c.-71-15T>C (NM_001437942.1, NM_001257387.3); c.482+5386T>C (NM_001349956.3); c.593-15T>C (NM_145862.3); c.686-15T>C (NM_001438295.1, NM_001438293.1); c.722-15T>C (NM_001438294.1, NM_001005735.3).
Identifiers: ClinVar variation 1587245 (VCV001587245.11), dbSNP rs757717459, ClinGen allele CA10167934.